The following is an entry in ClinVar:

ClinVar aggregate classification (germline): Uncertain significance (1 of 4 stars; one submission).

Conditions:
Desmin-related myofibrillar myopathy (MFM1). Also called: MYOFIBRILLAR MYOPATHY WITH ARRHYTHMOGENIC RIGHT VENTRICULAR CARDIOMYOPATHY; DESMIN-RELATED MYOPATHY WITH ARRHYTHMOGENIC RIGHT VENTRICULAR CARDIOMYOPATHY; Desminopathy; Desmin related myopathy (former name); Desmin storage myopathy (former name); Myofibrillar myopathy 1. Identifiers: Orphanet 363543, Orphanet 98909, MedGen C1832370, MONDO:0011076, OMIM 601419.

Allele frequency attached by ClinVar (database versions not stated): gnomAD exomes below 0.00001.
gnomAD v4.1: 1 of 1,561,760 alleles (0.000064%); highest among the groups gnomAD compares: Non-Finnish European, 0.000087%; no homozygotes.

Submission:

Labcorp Genetics (formerly Invitae), Labcorp
Classification: Uncertain significance for Desmin-related myofibrillar myopathy. Last evaluated: 2022-03-23. Review status: criteria provided, single submitter. Criteria: Invitae Variant Classification Sherloc (09022015). Collection method: clinical testing. Allele origin: germline.
Comment: Algorithms developed to predict the effect of missense changes on protein structure and function are either unavailable or do not agree on the potential impact of this missense change (SIFT: "Deleterious"; PolyPhen-2: "Possibly Damaging"; Align-GVGD: "Class C0"). In summary, the available evidence is currently insufficient to determine the role of this variant in disease. Therefore, it has been classified as a Variant of Uncertain Significance. ClinVar contains an entry for this variant (Variation ID: 859326). This variant has not been reported in the literature in individuals affected with DES-related conditions. This variant is not present in population databases (gnomAD no frequency). This sequence change replaces serine, which is neutral and polar, with leucine, which is neutral and non-polar, at codon 92 of the DES protein (p.Ser92Leu).

NM_001927.4(DES):c.275C>T (p.Ser92Leu)

Gene: DES (desmin; plus strand). Cytogenetic location: 2q35.
Variant type: single nucleotide variant.
Coding change: c.275C>T on transcript NM_001927.4 (MANE Select); coding-DNA position 275, C replaced by T.
Protein change: p.Ser92Leu; replaces serine 92 with leucine.
Molecular consequence: missense variant.
Genome position (GRCh38, 1-based): chr2:219,418,737, C>T. VCF-style: chr2-219418737-C-T. GRCh37 (hg19) VCF-style: chr2-220283459-C-T.
Other names: short protein forms S92L.
Identifiers: ClinVar variation 859326 (VCV000859326.9), dbSNP rs1954369865, ClinGen allele CA350684775.